The following is an entry in ClinVar:

ClinVar aggregate classification (germline): Uncertain significance. Review status: criteria provided, multiple submitters, no conflicts (2 of 4 stars). 2 submissions from 2 submitters: Uncertain significance (2). Last evaluated 2025-01-23.

Conditions:
Inborn genetic diseases. Identifiers: MedGen C0950123, MeSH D030342.

gnomAD v4.1: 3 of 1,613,660 alleles (0.00019%); highest among the groups gnomAD compares: Admixed American, 0.0017%; no homozygotes.

Submissions (2):

Ambry Genetics
Classification: Uncertain significance for Inborn genetic diseases. Last evaluated: 2025-01-23. Review status: criteria provided, single submitter. Criteria: Ambry Variant Classification Scheme 2023. Collection method: clinical testing. Allele origin: germline.

GeneDx
Classification: Uncertain significance. Last evaluated: 2023-08-07. Review status: criteria provided, single submitter. Criteria: GeneDx Variant Classification Process June 2021. Collection method: clinical testing. Allele origin: germline. Affected: yes.
Comment: Not observed at significant frequency in large population cohorts (gnomAD); In silico analysis supports that this missense variant does not alter protein structure/function; Has not been previously published as pathogenic or benign to our knowledge

NM_033305.3(VPS13A):c.4111G>A (p.Gly1371Arg)

Gene: VPS13A (vacuolar protein sorting 13 homolog A; plus strand). Cytogenetic location: 9q21.2.
Variant type: single nucleotide variant.
Coding change: c.4111G>A on transcript NM_033305.3 (MANE Select); coding-DNA position 4111, G replaced by A.
Protein change: p.Gly1371Arg; replaces glycine 1371 with arginine.
Molecular consequence: missense variant.
Genome position (GRCh38, 1-based): chr9:77,308,095, G>A. VCF-style: chr9-77308095-G-A. GRCh37 (hg19) VCF-style: chr9-79923011-G-A.
Other names: c.3994G>A, p.Gly1332Arg (NM_001018037.2); c.4111G>A, p.Gly1371Arg (NM_001018038.3, NM_015186.4); short protein forms G1332R, G1371R.
Identifiers: ClinVar variation 3361472 (VCV003361472.2).